The following is an entry in ClinVar:

NM_003835.4(RGS9):c.1930G>A (p.Gly644Arg)

Gene: RGS9 (regulator of G protein signaling 9; plus strand). Cytogenetic location: 17q24.1.
Variant type: single nucleotide variant.
Coding change: c.1930G>A on transcript NM_003835.4 (MANE Select); coding-DNA position 1930, G replaced by A.
Protein change: p.Gly644Arg; replaces glycine 644 with arginine.
Molecular consequence: missense variant.
Genome position (GRCh38, 1-based): chr17:65,227,312, G>A. VCF-style: chr17-65227312-G-A. GRCh37 (hg19) VCF-style: chr17-63223430-G-A.
Other names: c.1921G>A, p.Gly641Arg (NM_001081955.3); short protein forms G641R, G644R.
Identifiers: ClinVar variation 2036919 (VCV002036919.4), dbSNP rs771603377, ClinGen allele CA8718210.

ClinVar aggregate classification (germline): Uncertain significance (1 of 4 stars; one submission).

Allele frequency attached by ClinVar (database versions not stated): gnomAD exomes below 0.00001; ExAC 0.00001.
gnomAD v4.1: 4 of 1,614,118 alleles (0.00025%); highest among the groups gnomAD compares: Admixed American, 0.0017%; no homozygotes.

Submission:

Labcorp Genetics (formerly Invitae), Labcorp
Classification: Uncertain significance. Last evaluated: 2022-01-18. Review status: criteria provided, single submitter. Criteria: Invitae Variant Classification Sherloc (09022015). Collection method: clinical testing. Allele origin: germline.
Comment: This variant is present in population databases (rs771603377, gnomAD 0.003%). This sequence change replaces glycine, which is neutral and non-polar, with arginine, which is basic and polar, at codon 644 of the RGS9 protein (p.Gly644Arg). This variant has not been reported in the literature in individuals affected with RGS9-related conditions. In summary, the available evidence is currently insufficient to determine the role of this variant in disease. Therefore, it has been classified as a Variant of Uncertain Significance. Algorithms developed to predict the effect of missense changes on protein structure and function (SIFT, PolyPhen-2, Align-GVGD) all suggest that this variant is likely to be tolerated.